The following is an entry in ClinVar:

ClinVar aggregate classification (germline): Conflicting classifications of pathogenicity. Review status: criteria provided, conflicting classifications (1 of 4 stars). 2 submissions from 2 submitters: Uncertain significance (1); Likely benign (1). Last evaluated 2026-01-13.

Conditions:
Mitochondrial DNA depletion syndrome 13. Also called: FBXL4-Related Encephalomyopathic Mitochondrial DNA Depletion Syndrome; Mitochondrial DNA depletion syndrome 13 (encephalomyopathic type). Identifiers: Orphanet 369897, MedGen C3809592, MONDO:0014198, OMIM 615471.

Allele frequency attached by ClinVar (database versions not stated): gnomAD exomes below 0.00001; ExAC 0.00001; gnomAD 0.00001; TOPMed 0.00005; ESP Exome Variant Server 0.00008.
gnomAD v4.1: 4 of 1,613,954 alleles (0.00025%); highest among the groups gnomAD compares: African/African-American, 0.0053%; no homozygotes.

Submissions (2):

Labcorp Genetics (formerly Invitae), Labcorp
Classification: Likely benign. Last evaluated: 2026-01-13. Review status: criteria provided, single submitter. Criteria: Invitae Variant Classification Sherloc (09022015). Collection method: clinical testing. Allele origin: germline.

Wong Mito Lab, Molecular and Human Genetics, Baylor College of Medicine
Classification: Uncertain significance for Mitochondrial DNA depletion syndrome 13. Last evaluated: 2017-08-10. Review status: criteria provided, single submitter. Criteria: ACMG Guidelines, 2015. Collection method: reference population. Allele origin: germline.
Comment: The NM_012160.4:c.1254T>A (NP_036292.2:p.Ala418=) [GRCH38: NC_000006.12:g.98899331A>T] variant in FBXL4 gene is interpretated to be a Uncertain Significance - Conflicting Evidence based on ACMG guidelines (PMID: 25741868). This variant meets one or more of the following evidence codes reported in the ACMG-guideline. PM2:This variant is absent in key population databases. BP4:Computational evidence/predictors indicate no impact on the FBXL4 structure, function, or protein-protein interaction. BP7:The variant is silent with non predicted splice impact. Based on this evidence code ClinGen Pathogenicity Calculator (PMID:28081714) suggested that the variant is Uncertain Significance - Conflicting Evidence.

NM_001278716.2(FBXL4):c.1254T>A (p.Ala418=)

Gene: FBXL4 (F-box and leucine rich repeat protein 4; minus strand). Cytogenetic location: 6q16.1.
Variant type: single nucleotide variant.
Coding change: c.1254T>A on transcript NM_001278716.2 (MANE Select); coding-DNA position 1254, T replaced by A.
Protein change: p.Ala418=; no amino-acid change (alanine 418 retained).
Molecular consequence: synonymous variant. On other transcripts: non-coding transcript variant (2).
Genome position (GRCh38, 1-based): chr6:98,899,331, A>T on the plus strand (T>A on the coding strand, the complement: FBXL4 is on the minus strand). VCF-style: chr6-98899331-A-T. GRCh37 (hg19) VCF-style: chr6-99347207-A-T.
Other names: c.1254T>A, p.Ala418= (NM_012160.5).
Identifiers: ClinVar variation 437721 (VCV000437721.2), dbSNP rs374215533, ClinGen allele CA3933494.